The following is an entry in ClinVar:

NM_052867.4(NALCN):c.1982G>A (p.Ser661Asn)

Gene: NALCN (sodium leak channel, non-selective; minus strand). Cytogenetic location: 13q33.1.
Variant type: single nucleotide variant.
Coding change: c.1982G>A on transcript NM_052867.4 (MANE Select); coding-DNA position 1982, G replaced by A.
Protein change: p.Ser661Asn; replaces serine 661 with asparagine.
Molecular consequence: missense variant.
Genome position (GRCh38, 1-based): chr13:101,143,216, C>T on the plus strand (G>A on the coding strand, the complement: NALCN is on the minus strand). VCF-style: chr13-101143216-C-T. GRCh37 (hg19) VCF-style: chr13-101795567-C-T.
Other names: c.1982G>A, p.Ser661Asn (NM_001350748.2, NM_001350749.2); c.1895G>A, p.Ser632Asn (NM_001350750.2, NM_001350751.2); short protein forms S661N, S632N.
Identifiers: ClinVar variation 4625754 (VCV004625754.2).
Genomic context (GRCh38, chr13:101,143,216, plus strand): 5'-AGGCTTCTCAGGAGGCAACATGTGTCCTGTTGCTGGCGGTCAATAAACTGCTTCATAAAA[C>T]TCTCCCTTTGCAAATGAAGTATATGTGCATCAGGCATTATTAGTGGAAGGGAGCAAGTGA-3'
Protein context (NP_443099.1, residues 651-671): SDFTVPKIRE[Ser661Asn]FMKQFIDRQQ

ClinVar aggregate classification (germline): Uncertain significance. Review status: criteria provided, multiple submitters, no conflicts (2 of 4 stars). 2 submissions from 2 submitters: Uncertain significance (2). Last evaluated 2025-11-26.

Conditions:
Inborn genetic diseases. Identifiers: MedGen C0950123, MeSH D030342.

Submissions (2):

Ambry Genetics
Classification: Uncertain significance for Inborn genetic diseases. Last evaluated: 2025-11-26. Review status: criteria provided, single submitter. Criteria: Ambry Variant Classification Scheme 2023. Collection method: clinical testing. Allele origin: germline.

Labcorp Genetics (formerly Invitae), Labcorp
Classification: Uncertain significance. Last evaluated: 2025-11-13. Review status: criteria provided, single submitter. Criteria: Invitae Variant Classification Sherloc (09022015). Collection method: clinical testing. Allele origin: germline.
Comment: This sequence change replaces serine, which is neutral and polar, with asparagine, which is neutral and polar, at codon 661 of the NALCN protein (p.Ser661Asn). This variant is not present in population databases (gnomAD no frequency). This variant has not been reported in the literature in individuals affected with NALCN-related conditions. Invitae Evidence Modeling of protein sequence and biophysical properties (such as structural, functional, and spatial information, amino acid conservation, physicochemical variation, residue mobility, and thermodynamic stability) has been performed for this missense variant. However, the output from this modeling did not meet the statistical confidence thresholds required to predict the impact of this variant on NALCN protein function. In summary, the available evidence is currently insufficient to determine the role of this variant in disease. Therefore, it has been classified as a Variant of Uncertain Significance.